The following is an entry in ClinVar:

ClinVar aggregate classification (germline): Uncertain significance (1 of 4 stars; one submission).

Submission:

GeneDx
Classification: Uncertain significance. Last evaluated: 2024-07-25. Review status: criteria provided, single submitter. Criteria: GeneDx Variant Classification Process June 2021. Collection method: clinical testing. Allele origin: germline. Affected: yes.
Comment: Not observed at significant frequency in large population cohorts (gnomAD); In silico analysis supports that this missense variant has a deleterious effect on protein structure/function; Has not been previously published as pathogenic or benign to our knowledge

NM_002941.4(ROBO1):c.887G>C (p.Arg296Thr)

Gene: ROBO1 (roundabout guidance receptor 1; minus strand). Cytogenetic location: 3p12.3.
Variant type: single nucleotide variant.
Coding change: c.887G>C on transcript NM_002941.4 (MANE Select); coding-DNA position 887, G replaced by C.
Protein change: p.Arg296Thr; replaces arginine 296 with threonine.
Molecular consequence: missense variant.
Genome position (GRCh38, 1-based): chr3:78,717,305, C>G on the plus strand (G>C on the coding strand, the complement: ROBO1 is on the minus strand). VCF-style: chr3-78717305-C-G. GRCh37 (hg19) VCF-style: chr3-78766455-C-G.
Other names: c.770G>C, p.Arg257Thr (NM_001145845.2, NM_133631.4); short protein forms R257T, R296T.
Identifiers: ClinVar variation 3602332 (VCV003602332.1).
Genomic context (GRCh38, chr3:78,717,305, plus strand): 5'-CAAATCATATCATGAAACTCTGATGTGTACCTGGATTTGGGCAGCTCTCCATCATCTTTC[C>G]TCCATCGTACTGTAGGTACAGGGTCACCTCGGGCCTCACATTTAAATTCTGCACTGTCAT-3'
Protein context (NP_002932.1, residues 286-306): RGDPVPTVRW[Arg296Thr]KDDGELPKSR